The following is an entry in ClinVar:

NM_197968.4(ZMYM2):c.1786C>A (p.Gln596Lys)

Gene: ZMYM2 (zinc finger MYM-type containing 2; plus strand). Cytogenetic location: 13q12.11.
Variant type: single nucleotide variant.
Coding change: c.1786C>A on transcript NM_197968.4 (MANE Select); coding-DNA position 1786, C replaced by A.
Protein change: p.Gln596Lys; replaces glutamine 596 with lysine.
Molecular consequence: missense variant. On other transcripts: non-coding transcript variant (1).
Genome position (GRCh38, 1-based): chr13:20,027,253, C>A. VCF-style: chr13-20027253-C-A. GRCh37 (hg19) VCF-style: chr13-20601393-C-A.
Other names: c.1786C>A, p.Gln596Lys (NM_001190964.4, NM_001190965.4, NM_001353157.2 and 5 more transcripts); c.1591C>A, p.Gln531Lys (NM_001353161.3); c.1525C>A, p.Gln509Lys (NM_001353163.2); short protein forms Q509K, Q531K, Q596K.
Identifiers: ClinVar variation 3371324 (VCV003371324.1).

ClinVar aggregate classification (germline): Uncertain significance (1 of 4 stars; one submission).

Submission:

GeneDx
Classification: Uncertain significance. Last evaluated: 2024-03-23. Review status: criteria provided, single submitter. Criteria: GeneDx Variant Classification Process June 2021. Collection method: clinical testing. Allele origin: germline. Affected: yes.
Comment: Not observed at significant frequency in large population cohorts (gnomAD); In silico analysis supports that this missense variant does not alter protein structure/function; Has not been previously published as pathogenic or benign to our knowledge